The following is an entry in ClinVar:

ClinVar aggregate classification (germline): Pathogenic (1 of 4 stars; one submission).

Conditions:
Primary ciliary dyskinesia. Also called: Ciliary dyskinesia. Identifiers: Orphanet 244, MedGen C0008780, MONDO:0016575, HP:0012265.

Submission:

Labcorp Genetics (formerly Invitae), Labcorp
Classification: Pathogenic for Primary ciliary dyskinesia. Last evaluated: 2023-08-03. Review status: criteria provided, single submitter. Criteria: Invitae Variant Classification Sherloc (09022015). Collection method: clinical testing. Allele origin: germline.
Comment: For these reasons, this variant has been classified as Pathogenic. This variant disrupts the p.Gly272 amino acid residue in RPGR. Other variant(s) that disrupt this residue have been determined to be pathogenic (PMID: 8817343, 16969763, 17724181, 23213406, 30622176, 31456290). This suggests that this residue is clinically significant, and that variants that disrupt this residue are likely to be disease-causing. Advanced modeling of protein sequence and biophysical properties (such as structural, functional, and spatial information, amino acid conservation, physicochemical variation, residue mobility, and thermodynamic stability) performed at Invitae indicates that this missense variant is expected to disrupt RPGR protein function. This missense change has been observed in individuals with retinitis pigmentosa (PMID: 29641573, 32702353). This variant is not present in population databases (gnomAD no frequency). This sequence change replaces glycine, which is neutral and non-polar, with valine, which is neutral and non-polar, at codon 272 of the RPGR protein (p.Gly272Val).

Literature cited by the submitters: PubMed 8817343; PubMed 16969763; PubMed 17724181; PubMed 23213406; PubMed 30622176; PubMed 31456290; PubMed 29641573; PubMed 32702353.

NM_001034853.2(RPGR):c.815G>T (p.Gly272Val)

Gene: RPGR (retinitis pigmentosa GTPase regulator; minus strand). Cytogenetic location: Xp11.4.
Variant type: single nucleotide variant.
Coding change: c.815G>T on transcript NM_001034853.2 (MANE Select); coding-DNA position 815, G replaced by T.
Protein change: p.Gly272Val; replaces glycine 272 with valine.
Molecular consequence: missense variant. On other transcripts: non-coding transcript variant (5).
Genome position (GRCh38, 1-based): chrX:38,304,754, C>A on the plus strand (G>T on the coding strand, the complement: RPGR is on the minus strand). VCF-style: chrX-38304754-C-A. GRCh37 (hg19) VCF-style: chrX-38164007-C-A.
Other names: c.815G>T, p.Gly272Val (NM_000328.3, NM_001367246.1, NM_001367247.1 and 1 more transcripts); c.812G>T, p.Gly271Val (NM_001367245.1, NM_001367249.1, NM_001367250.1); c.845G>T, p.Gly282Val (NM_001367248.1); short protein forms G271V, G272V, G282V.
Identifiers: ClinVar variation 2910485 (VCV002910485.3), dbSNP rs2519847298, ClinGen allele CA412741625.